The following is an entry in ClinVar:

NM_178857.6(RP1L1):c.752-7G>A

Gene: RP1L1 (RP1 like 1). Cytogenetic location: 8p23.1.
Variant type: single nucleotide variant.
Coding change: c.752-7G>A on transcript NM_178857.6 (MANE Select); 7 bases into the intron before coding-DNA position 752, G replaced by A.
Molecular consequence: intron variant.
Genome position (GRCh38, 1-based): chr8:10,613,353, C>T on the plus strand (G>A on the coding strand, the complement: RP1L1 is on the minus strand). VCF-style: chr8-10613353-C-T. GRCh37 (hg19) VCF-style: chr8-10470863-C-T.
Other names: c.752-7G>A (NM_178857.5).
Identifiers: ClinVar variation 4899429 (VCV004899429.2).

ClinVar aggregate classification (germline): Likely benign. Review status: criteria provided, multiple submitters, no conflicts (2 of 4 stars). 2 submissions from 2 submitters: Likely benign (2). Last evaluated 2026-03-26.

Conditions:
RP1L1-related disorder. Also called: RP1L1-related condition.

gnomAD v4.1: 260 of 1,599,398 alleles (0.016%); highest among the groups gnomAD compares: Non-Finnish European, 0.019%; no homozygotes.

Submissions (2):

PreventionGenetics, part of Exact Sciences
Classification: Likely benign for RP1L1-related condition. Last evaluated: 2026-03-26. Review status: criteria provided, single submitter. Criteria: ACMG Guidelines, 2015. Collection method: clinical testing. Allele origin: germline.
Comment: This variant is classified as likely benign based on ACMG/AMP sequence variant interpretation guidelines (Richards et al. 2015 PMID: 25741868, with internal and published modifications).

Blueprint Genetics
Classification: Likely benign. Last evaluated: 2024-02-09. Review status: criteria provided, single submitter. Criteria: ACMG Guidelines, 2015. Collection method: clinical testing. Allele origin: germline.